The following is an entry in ClinVar:

ClinVar aggregate classification (germline): Pathogenic (1 of 4 stars; one submission).

Submission:

Labcorp Genetics (formerly Invitae), Labcorp
Classification: Pathogenic. Last evaluated: 2024-09-29. Review status: criteria provided, single submitter. Criteria: Invitae Variant Classification Sherloc (09022015). Collection method: clinical testing. Allele origin: germline.
Comment: This sequence change creates a premature translational stop signal (p.Gly335Glufs*5) in the PTPN23 gene. It is expected to result in an absent or disrupted protein product. Loss-of-function variants in PTPN23 are known to be pathogenic (PMID: 29090338, 29899372). This variant is not present in population databases (gnomAD no frequency). This variant has not been reported in the literature in individuals affected with PTPN23-related conditions. For these reasons, this variant has been classified as Pathogenic.

Literature cited by the submitters: PubMed 29090338; PubMed 29899372.

NM_015466.4(PTPN23):c.1002del (p.Gly335fs)

Gene: PTPN23 (protein tyrosine phosphatase non-receptor type 23; plus strand). Cytogenetic location: 3p21.31.
Variant type: Deletion.
Coding change: c.1002del on transcript NM_015466.4 (MANE Select); coding-DNA position 1002, one base deleted (A; older notation c.1002delA).
Protein change: p.Gly335fs; shifts the reading frame from glycine 335.
Molecular consequence: frameshift variant.
Genome position (GRCh38, 1-based): chr3:47,407,583, A deleted; the last of 4 consecutive A bases (chr3:47,407,580-47,407,583); deleting any one gives the same sequence. VCF-style (leftmost placement, unchanged base first): chr3-47407579-TA-T. GRCh37 (hg19) VCF-style: chr3-47449069-TA-T.
Other names: c.624del, p.Gly209fs (NM_001304482.2); short protein forms G209fs, G335fs.
Identifiers: ClinVar variation 3645743 (VCV003645743.2).